The following is an entry in ClinVar:

NM_001098511.3(KIF2A):c.19G>A (p.Gly7Ser)

Genes: KIF2A (kinesin family member 2A; plus strand), LOC129993961 (ATAC-STARR-seq lymphoblastoid silent region 16051; plus strand). Cytogenetic location: 5q12.1.
Variant type: single nucleotide variant.
Coding change: c.19G>A on transcript NM_001098511.3 (MANE Select); coding-DNA position 19, G replaced by A.
Protein change: p.Gly7Ser; replaces glycine 7 with serine.
Molecular consequence: missense variant. On other transcripts: 5 prime UTR variant (1).
Genome position (GRCh38, 1-based): chr5:62,306,491, G>A. VCF-style: chr5-62306491-G-A. GRCh37 (hg19) VCF-style: chr5-61602318-G-A.
Other names: c.-266G>A (NM_001243952.2); c.19G>A, p.Gly7Ser (NM_001243953.2, NM_004520.5); c.19G>A (NM_001098511.2); short protein forms G7S.
Identifiers: ClinVar variation 2796280 (VCV002796280.4), dbSNP rs552269440, ClinGen allele CA359950050.
Genomic context (GRCh38, chr5:62,306,491, plus strand): 5'-GTCCCCCTCCCTCGGCCCGCTGCTGCTGCTCCAGATGAGGTGATGGCAACGGCCAACTTC[G>A]GCAAGATCCAGATCGGGATTTACGTGGAGATCAAGCGCAGCGATGGTGAGCCGCGCTGCC-3'
Protein context (NP_001091981.1, residues 1-17): MATANF[Gly7Ser]KIQIGIYVEI

ClinVar aggregate classification (germline): Uncertain significance. Review status: criteria provided, multiple submitters, no conflicts (2 of 4 stars). 2 submissions from 2 submitters: Uncertain significance (2). Last evaluated 2025-08-24.

Conditions:
Inborn genetic diseases. Identifiers: MedGen C0950123, MeSH D030342.

Submissions (2):

Ambry Genetics
Classification: Uncertain significance for Inborn genetic diseases. Last evaluated: 2025-08-24. Review status: criteria provided, single submitter. Criteria: Ambry Variant Classification Scheme 2023. Collection method: clinical testing. Allele origin: germline.

Labcorp Genetics (formerly Invitae), Labcorp
Classification: Uncertain significance. Last evaluated: 2023-09-29. Review status: criteria provided, single submitter. Criteria: Invitae Variant Classification Sherloc (09022015). Collection method: clinical testing. Allele origin: germline.
Comment: This variant has not been reported in the literature in individuals affected with KIF2A-related conditions. An algorithm developed to predict the effect of missense changes on protein structure and function (PolyPhen-2) suggests that this variant is likely to be disruptive. In summary, the available evidence is currently insufficient to determine the role of this variant in disease. Therefore, it has been classified as a Variant of Uncertain Significance. This sequence change replaces glycine, which is neutral and non-polar, with serine, which is neutral and polar, at codon 7 of the KIF2A protein (p.Gly7Ser). This variant is not present in population databases (gnomAD no frequency).